The following is an entry in ClinVar:

NM_003620.4(PPM1D):c.1737_1744del (p.Met580fs)

Gene: PPM1D (protein phosphatase, Mg2+/Mn2+ dependent 1D; plus strand). Cytogenetic location: 17q23.2.
Variant type: Deletion.
Coding change: c.1737_1744del on transcript NM_003620.4 (MANE Select); coding-DNA positions 1737 to 1744, 8 bases deleted (CATGCGAC; older notation c.1737_1744delCATGCGAC).
Protein change: p.Met580fs; shifts the reading frame from methionine 580.
Molecular consequence: frameshift variant.
Genome position (GRCh38, 1-based): chr17:60,663,471-60,663,478, CATGCGAC deleted; deleting any 8 consecutive bases within chr17:60,663,469-60,663,478 gives the same sequence; the c. name uses the placement nearest the transcript's 3' end. VCF-style (leftmost placement, unchanged base first): chr17-60663468-CACCATGCG-C. GRCh37 (hg19) VCF-style: chr17-58740829-CACCATGCG-C.
Other names: c.1737_1744delCATGCGAC, p.Met580Glnfs (NM_003620.3); short protein forms M580fs.
Identifiers: ClinVar variation 2663469 (VCV002663469.1), dbSNP rs2544470829, ClinGen allele CA2695200307.

ClinVar aggregate classification (germline): Uncertain significance (1 of 4 stars; one submission).

Submission:

GeneDx
Classification: Uncertain significance. Last evaluated: 2023-10-03. Review status: criteria provided, single submitter. Criteria: GeneDx Variant Classification Process June 2021. Collection method: clinical testing. Allele origin: germline. Affected: yes.
Comment: Not observed at significant frequency in large population cohorts (gnomAD); Frameshift variant predicted to result in protein truncation as the last 26 amino acids are replaced with 2 different amino acids, although loss-of-function variants have not been reported downstream of this position in the protein; Has not been previously published as pathogenic or benign to our knowledge